The following is an entry in ClinVar:

ClinVar aggregate classification (germline): Likely benign (0 of 4 stars; one submission).

Conditions:
AFF4-related disorder. Also called: AFF4-related condition.

Allele frequency attached by ClinVar (database versions not stated): gnomAD exomes below 0.00001; ExAC 0.00001; gnomAD 0.00002; ESP Exome Variant Server 0.00008.

Submission:

PreventionGenetics, part of Exact Sciences
Classification: Likely benign for AFF4-related condition. Last evaluated: 2022-10-25. Review status: no assertion criteria provided. Collection method: clinical testing. Allele origin: germline.
Comment: This variant is classified as likely benign based on ACMG/AMP sequence variant interpretation guidelines (Richards et al. 2015 PMID: 25741868, with internal and published modifications).

NM_014423.4(AFF4):c.*10A>G

Gene: AFF4 (ALF transcription elongation factor 4; minus strand). Cytogenetic location: 5q31.1.
Variant type: single nucleotide variant.
Coding change: c.*10A>G on transcript NM_014423.4 (MANE Select); 10 bases downstream of the stop codon, A replaced by G.
Molecular consequence: 3 prime UTR variant.
Genome position (GRCh38, 1-based): chr5:132,881,049, T>C on the plus strand (A>G on the coding strand, the complement: AFF4 is on the minus strand). VCF-style: chr5-132881049-T-C. GRCh37 (hg19) VCF-style: chr5-132216741-T-C.
Identifiers: ClinVar variation 3030760 (VCV003030760.2), dbSNP rs375967092, ClinGen allele CA3408665.